The following is an entry in ClinVar:

NM_000540.3(RYR1):c.1619C>G (p.Ser540Cys)

Gene: RYR1 (ryanodine receptor 1; plus strand). Cytogenetic location: 19q13.2.
Variant type: single nucleotide variant.
Coding change: c.1619C>G on transcript NM_000540.3 (MANE Select); coding-DNA position 1619, C replaced by G.
Protein change: p.Ser540Cys; replaces serine 540 with cysteine.
Molecular consequence: missense variant.
Genome position (GRCh38, 1-based): chr19:38,455,493, C>G. VCF-style: chr19-38455493-C-G. GRCh37 (hg19) VCF-style: chr19-38946133-C-G.
Other names: c.1619C>G, p.Ser540Cys (NM_001042723.2); short protein forms S540C.
Identifiers: ClinVar variation 3359293 (VCV003359293.1).
Genomic context (GRCh38, chr19:38,455,493, plus strand): 5'-CACCTCTTCCCCCCTCAGCTTCTCTAATCCGTGGCAATCGTAGCAACTGTGCCCTCTTCT[C>G]CACAAACTTGGACTGGCTGGTCAGCAAGCTGGATCGGCTGGAGGCCTCGTCTGGTAGGAG-3'
Protein context (NP_000531.2, residues 530-550): RGNRSNCALF[Ser540Cys]TNLDWLVSKL

ClinVar aggregate classification (germline): Uncertain significance (1 of 4 stars; one submission).

gnomAD v4.1: 5 of 1,614,182 alleles (0.00031%); highest among the groups gnomAD compares: Non-Finnish European, 0.00042%; no homozygotes.

Submission:

GeneDx
Classification: Uncertain significance. Last evaluated: 2023-05-25. Review status: criteria provided, single submitter. Criteria: GeneDx Variant Classification Process June 2021. Collection method: clinical testing. Allele origin: germline. Affected: yes.
Comment: Not observed at significant frequency in large population cohorts (gnomAD); In silico analysis supports that this missense variant has a deleterious effect on protein structure/function; Has not been previously published as pathogenic or benign to our knowledge; This variant is associated with the following publications: (PMID: 33767344)